The following is an entry in ClinVar:

ClinVar aggregate classification (germline): Conflicting classifications of pathogenicity. Review status: criteria provided, conflicting classifications (1 of 4 stars). 6 submissions from 6 submitters: Uncertain significance (1); Benign (1); Likely benign (2). 2 of the submissions do not count toward it. Last evaluated 2025-04-11.

Conditions:
DMD-related disorder. Also called: DMD-related condition.
Becker muscular dystrophy (BMD). Also called: MUSCULAR DYSTROPHY, PSEUDOHYPERTROPHIC PROGRESSIVE, BECKER TYPE; Becker Muscular Dystrophy (BMD). Identifiers: Orphanet 98895, MedGen C0917713, MONDO:0010311, OMIM 300376.
Cardiomyopathy (CMYO). Also called: Cardiomyopathies. Identifiers: Orphanet 167848, MedGen C0878544, MONDO:0004994, HP:0001638. Inheritance: Various modes of inheritance.
Duchenne muscular dystrophy (DMD). Also called: MUSCULAR DYSTROPHY, PSEUDOHYPERTROPHIC PROGRESSIVE, DUCHENNE TYPE; Duchenne Muscular Dystrophy (DMD). Identifiers: Orphanet 98896, MedGen C0013264, MONDO:0010679, OMIM 310200.
Dystrophin deficiency.
Cardiovascular phenotype. Identifiers: MedGen CN230736.

Allele frequency attached by ClinVar (database versions not stated): ExAC 0.00003; gnomAD exomes 0.00003 and 0.00008; TOPMed 0.00003; gnomAD 0.00005; ESP Exome Variant Server 0.00009.
gnomAD v4.1: 84 of 1,208,582 alleles (0.007%); highest among the groups gnomAD compares: Non-Finnish European, 0.0091%; no homozygotes.

Submissions (6):

Labcorp Genetics (formerly Invitae), Labcorp
Classification: Benign for Duchenne muscular dystrophy. Last evaluated: 2025-04-11. Review status: criteria provided, single submitter. Criteria: Invitae Variant Classification Sherloc (09022015). Collection method: clinical testing. Allele origin: germline.

Ambry Genetics
Classification: Likely benign for Cardiovascular phenotype. Last evaluated: 2019-07-09. Review status: criteria provided, single submitter. Criteria: Ambry Variant Classification Scheme 2023. Collection method: clinical testing. Allele origin: germline.

GeneDx
Classification: Likely benign. Last evaluated: 2017-06-29. Review status: criteria provided, single submitter. Criteria: GeneDx Variant Classification (06012015). Collection method: clinical testing. Allele origin: germline. Affected: yes.
Comment: This variant is considered likely benign or benign based on one or more of the following criteria: it is a conservative change, it occurs at a poorly conserved position in the protein, it is predicted to be benign by multiple in silico algorithms, and/or has population frequency not consistent with disease.

Eurofins Ntd Llc (ga)
Classification: Uncertain significance. Last evaluated: 2016-10-04. Review status: criteria provided, single submitter. Criteria: EGL Classification Definitions 2015. Collection method: clinical testing. Allele origin: germline. Observed: 2 variant alleles, 1 heterozygote, 1 hemizygote.

PreventionGenetics, part of Exact Sciences
Classification: Likely benign for DMD-related condition. Last evaluated: 2021-07-21. Review status: no assertion criteria provided. Collection method: clinical testing. Allele origin: germline. Not counted in ClinVar's aggregate classification.
Comment: This variant is classified as likely benign based on ACMG/AMP sequence variant interpretation guidelines (Richards et al. 2015 PMID: 25741868, with internal and published modifications).

Natera, Inc.
Classification: Likely benign for Becker muscular dystrophy; Cardiomyopathy; Duchenne muscular dystrophy; Dystrophin deficiency. Last evaluated: 2019-07-15. Review status: no assertion criteria provided. Collection method: clinical testing. Allele origin: germline. Not counted in ClinVar's aggregate classification.

NM_004006.3(DMD):c.8886C>T (p.Pro2962=)

Gene: DMD (dystrophin; minus strand). Cytogenetic location: Xp21.2.
Variant type: single nucleotide variant.
Coding change: c.8886C>T on transcript NM_004006.3 (MANE Select); coding-DNA position 8886, C replaced by T.
Protein change: p.Pro2962=; no amino-acid change (proline 2962 retained).
Molecular consequence: synonymous variant.
Genome position (GRCh38, 1-based): chrX:31,478,157, G>A on the plus strand (C>T on the coding strand, the complement: DMD is on the minus strand). VCF-style: chrX-31478157-G-A. GRCh37 (hg19) VCF-style: chrX-31496274-G-A.
Other names: c.8862C>T, p.Pro2954= (NM_000109.4); c.8874C>T, p.Pro2958= (NM_004009.3); c.8517C>T, p.Pro2839= (NM_004010.3); c.4863C>T, p.Pro1621= (NM_004011.4); c.4854C>T, p.Pro1618= (NM_004012.4); c.1506C>T, p.Pro502= (NM_004013.3, NM_004020.4, NM_004021.3 and 2 more transcripts); c.699C>T, p.Pro233= (NM_004014.3).
Identifiers: ClinVar variation 389901 (VCV000389901.18), dbSNP rs371648038, ClinGen allele CA10377972.